The following is an entry in ClinVar:

ClinVar aggregate classification (germline): Uncertain significance (1 of 4 stars; one submission).

gnomAD v4.1: 5 of 1,614,198 alleles (0.00031%); highest among the groups gnomAD compares: South Asian, 0.0011%; no homozygotes.

Submission:

Labcorp Genetics (formerly Invitae), Labcorp
Classification: Uncertain significance. Last evaluated: 2023-11-11. Review status: criteria provided, single submitter. Criteria: Invitae Variant Classification Sherloc (09022015). Collection method: clinical testing. Allele origin: germline.
Comment: This sequence change replaces glutamic acid, which is acidic and polar, with glutamine, which is neutral and polar, at codon 537 of the LZTS1 protein (p.Glu537Gln). This variant is present in population databases (no rsID available, gnomAD 0.003%). This variant has not been reported in the literature in individuals affected with LZTS1-related conditions. Advanced modeling of protein sequence and biophysical properties (such as structural, functional, and spatial information, amino acid conservation, physicochemical variation, residue mobility, and thermodynamic stability) performed at Invitae indicates that this missense variant is not expected to disrupt LZTS1 protein function with a negative predictive value of 80%. In summary, the available evidence is currently insufficient to determine the role of this variant in disease. Therefore, it has been classified as a Variant of Uncertain Significance.

NM_021020.5(LZTS1):c.1609G>C (p.Glu537Gln)

Gene: LZTS1 (leucine zipper tumor suppressor 1; minus strand). Cytogenetic location: 8p21.3.
Variant type: single nucleotide variant.
Coding change: c.1609G>C on transcript NM_021020.5 (MANE Select); coding-DNA position 1609, G replaced by C.
Protein change: p.Glu537Gln; replaces glutamic acid 537 with glutamine.
Molecular consequence: missense variant.
Genome position (GRCh38, 1-based): chr8:20,249,904, C>G on the plus strand (G>C on the coding strand, the complement: LZTS1 is on the minus strand). VCF-style: chr8-20249904-C-G. GRCh37 (hg19) VCF-style: chr8-20107415-C-G.
Other names: c.1609G>C, p.Glu537Gln (NM_001362884.2); short protein forms E537Q.
Identifiers: ClinVar variation 2802097 (VCV002802097.3), dbSNP rs1563847524, ClinGen allele CA370475601.
Genomic context (GRCh38, chr8:20,249,904, plus strand): 5'-TCCGCTGGTACATGGCCACGTAGCTCTGCTGCAGCTGTTTCTGGTACTGAATCACCTTCT[C>G]CTTCTCCTCCTTCCACACGAGCCGCTCATGCTGGAAGCCCGAGGACATCTGGTCATGGCC-3'
Protein context (NP_066300.1, residues 527-547): HERLVWKEEK[Glu537Gln]KVIQYQKQLQ